The following is an entry in ClinVar:

ClinVar aggregate classification (germline): Conflicting classifications of pathogenicity. Review status: criteria provided, conflicting classifications (1 of 4 stars). 3 submissions from 3 submitters: Uncertain significance (2); Likely benign (1). Last evaluated 2024-10-25.

Conditions:
Inborn genetic diseases. Identifiers: MedGen C0950123, MeSH D030342.
Donnai-Barrow syndrome. Also called: DBS/FOAR SYNDROME; FACIOOCULOACOUSTICORENAL SYNDROME. Identifiers: Orphanet 2143, MedGen C1857277, MONDO:0009104, OMIM 222448.

Allele frequency attached by ClinVar (database versions not stated): gnomAD 0.00001 and 0.00002; gnomAD exomes 0.00001 and 0.00003; TOPMed 0.00001; ExAC 0.00002.
gnomAD v4.1: 40 of 1,614,016 alleles (0.0025%); highest among the groups gnomAD compares: Non-Finnish European, 0.0032%; no homozygotes.

Submissions (3):

Labcorp Genetics (formerly Invitae), Labcorp
Classification: Uncertain significance. Last evaluated: 2024-10-25. Review status: criteria provided, single submitter. Criteria: Invitae Variant Classification Sherloc (09022015). Collection method: clinical testing. Allele origin: germline.
Comment: This sequence change replaces serine, which is neutral and polar, with asparagine, which is neutral and polar, at codon 2554 of the LRP2 protein (p.Ser2554Asn). This variant is present in population databases (rs200633361, gnomAD 0.01%). This variant has not been reported in the literature in individuals affected with LRP2-related conditions. ClinVar contains an entry for this variant (Variation ID: 1450716). Invitae Evidence Modeling of protein sequence and biophysical properties (such as structural, functional, and spatial information, amino acid conservation, physicochemical variation, residue mobility, and thermodynamic stability) indicates that this missense variant is not expected to disrupt LRP2 protein function with a negative predictive value of 80%. In summary, the available evidence is currently insufficient to determine the role of this variant in disease. Therefore, it has been classified as a Variant of Uncertain Significance.

Ambry Genetics
Classification: Likely benign for Inborn genetic diseases. Last evaluated: 2024-04-17. Review status: criteria provided, single submitter. Criteria: Ambry Variant Classification Scheme 2023. Collection method: clinical testing. Allele origin: germline.

Fulgent Genetics
Classification: Uncertain significance for Donnai-Barrow syndrome. Last evaluated: 2021-07-16. Review status: criteria provided, single submitter. Criteria: ACMG Guidelines, 2015. Collection method: clinical testing. Allele origin: unknown.

NM_004525.3(LRP2):c.7661G>A (p.Ser2554Asn)

Gene: LRP2 (LDL receptor related protein 2; minus strand). Cytogenetic location: 2q31.1.
Variant type: single nucleotide variant.
Coding change: c.7661G>A on transcript NM_004525.3 (MANE Select); coding-DNA position 7661, G replaced by A.
Protein change: p.Ser2554Asn; replaces serine 2554 with asparagine.
Molecular consequence: missense variant.
Genome position (GRCh38, 1-based): chr2:169,205,533, C>T on the plus strand (G>A on the coding strand, the complement: LRP2 is on the minus strand). VCF-style: chr2-169205533-C-T. GRCh37 (hg19) VCF-style: chr2-170062043-C-T.
Other names: c.7661G>A (NM_004525.2); short protein forms S2554N.
Identifiers: ClinVar variation 1450716 (VCV001450716.9), dbSNP rs200633361, ClinGen allele CA1954043.